The following is an entry in ClinVar:

ClinVar aggregate classification (germline): Uncertain significance (1 of 4 stars; one submission).

Conditions:
Hereditary cancer-predisposing syndrome. Also called: Neoplastic Syndromes, Hereditary; Tumor predisposition; Hereditary neoplastic syndrome; Hereditary Cancer Syndrome. Identifiers: Orphanet 140162, MedGen C0027672, MeSH D009386, MONDO:0015356.

Allele frequency attached by ClinVar (database versions not stated): gnomAD exomes below 0.00001.
gnomAD v4.1: 1 of 1,604,970 alleles (0.000062%); highest among the groups gnomAD compares: Non-Finnish European, 0.000085%; no homozygotes.

Submission:

Ambry Genetics
Classification: Uncertain significance for Hereditary cancer-predisposing syndrome. Last evaluated: 2024-02-29. Review status: criteria provided, single submitter. Criteria: Ambry Variant Classification Scheme 2023. Collection method: clinical testing. Allele origin: germline.
Comment: The p.F142C variant (also known as c.425T>G), located in coding exon 3 of the FLCN gene, results from a T to G substitution at nucleotide position 425. The phenylalanine at codon 142 is replaced by cysteine, an amino acid with highly dissimilar properties. This amino acid position is highly conserved in available vertebrate species. In addition, this alteration is predicted to be deleterious by in silico analysis. Based on the available evidence, the clinical significance of this alteration remains unclear.

NM_144997.7(FLCN):c.425T>G (p.Phe142Cys)

Gene: FLCN (folliculin; minus strand). Cytogenetic location: 17p11.2.
Variant type: single nucleotide variant.
Coding change: c.425T>G on transcript NM_144997.7 (MANE Select); coding-DNA position 425, T replaced by G.
Protein change: p.Phe142Cys; replaces phenylalanine 142 with cysteine.
Molecular consequence: missense variant.
Genome position (GRCh38, 1-based): chr17:17,224,115, A>C on the plus strand (T>G on the coding strand, the complement: FLCN is on the minus strand). VCF-style: chr17-17224115-A-C. GRCh37 (hg19) VCF-style: chr17-17127429-A-C.
Other names: c.479T>G, p.Phe160Cys (NM_001353229.2); c.425T>G, p.Phe142Cys (NM_001353230.2, NM_001353231.2, NM_144606.7); short protein forms F142C, F160C.
Identifiers: ClinVar variation 3229251 (VCV003229251.1), dbSNP rs2544257812, ClinGen allele CA398534594.